The following is an entry in ClinVar:

NM_002609.4(PDGFRB):c.176C>G (p.Pro59Arg)

Gene: PDGFRB (platelet derived growth factor receptor beta; minus strand). Cytogenetic location: 5q32.
Variant type: single nucleotide variant.
Coding change: c.176C>G on transcript NM_002609.4 (MANE Select); coding-DNA position 176, C replaced by G.
Protein change: p.Pro59Arg; replaces proline 59 with arginine.
Molecular consequence: missense variant. On other transcripts: 5 prime UTR variant (2).
Genome position (GRCh38, 1-based): chr5:150,135,743, G>C on the plus strand (C>G on the coding strand, the complement: PDGFRB is on the minus strand). VCF-style: chr5-150135743-G-C. GRCh37 (hg19) VCF-style: chr5-149515306-G-C.
Other names: c.-17C>G (NM_001355016.2); c.-342C>G (NM_001355017.2); short protein forms P59R.
Identifiers: ClinVar variation 3748488 (VCV003748488.2).
Genomic context (GRCh38, chr5:150,135,743, plus strand): 5'-CCATCCTGGGCCTTGGCCATTTCCTGTGGGGGCTCCTGGGACATCCGTTCCCACACCACC[G>C]GAGCTGAACCCGAGCAGGTCAGAACGAAGGTGCTGGAGACATTGAGGACAAGCTCTGGCC-3'
Protein context (NP_002600.1, residues 49-69): TFVLTCSGSA[Pro59Arg]VVWERMSQEP

ClinVar aggregate classification (germline): Uncertain significance (1 of 4 stars; one submission).

Conditions:
Skeletal overgrowth-craniofacial dysmorphism-hyperelastic skin-white matter lesions syndrome. Also called: SKELETAL OVERGROWTH WITH FACIAL DYSMORPHISM, HYPERELASTIC SKIN, WHITE MATTER LESIONS, AND NEUROLOGIC DETERIORATION; Kosaki overgrowth syndrome. Identifiers: Orphanet 477831, MedGen C4225270, MONDO:0014704, OMIM 616592.
Infantile myofibromatosis (IMF). Also called: Congenital generalized fibromatosis. Identifiers: Orphanet 2591, MedGen C0432284, MONDO:0016824.
Basal ganglia calcification, idiopathic, 4 (PFBC4). Also called: Familial Idiopathic Basal Ganglia Calcification 4; PRIMARY FAMILIAL BRAIN CALCIFICATION 4, AUTOSOMAL DOMINANT. Identifiers: Orphanet 1980, MedGen C3554321, MONDO:0014004, OMIM 615007.
Acroosteolysis-keloid-like lesions-premature aging syndrome. Also called: Premature aging syndrome, Penttinen type; Prematurely aged appearance, delayed bone maturation, acro-osteolysis, and brachydactyly; Progeroid syndrome, Penttinen type. Identifiers: Orphanet 363665, MedGen C1866182, MONDO:0011150, OMIM 601812.

Submission:

Labcorp Genetics (formerly Invitae), Labcorp
Classification: Uncertain significance for Basal ganglia calcification, idiopathic, 4; Skeletal overgrowth-craniofacial dysmorphism-hyperelastic skin-white matter lesions syndrome; Infantile myofibromatosis; Acroosteolysis-keloid-like lesions-premature aging syndrome. Last evaluated: 2024-04-15. Review status: criteria provided, single submitter. Criteria: Invitae Variant Classification Sherloc (09022015). Collection method: clinical testing. Allele origin: germline.
Comment: This sequence change replaces proline, which is neutral and non-polar, with arginine, which is basic and polar, at codon 59 of the PDGFRB protein (p.Pro59Arg). This variant is present in population databases (rs202213873, gnomAD 0.007%). This variant has not been reported in the literature in individuals affected with PDGFRB-related conditions. Advanced modeling of protein sequence and biophysical properties (such as structural, functional, and spatial information, amino acid conservation, physicochemical variation, residue mobility, and thermodynamic stability) performed at Invitae indicates that this missense variant is not expected to disrupt PDGFRB protein function with a negative predictive value of 80%. In summary, the available evidence is currently insufficient to determine the role of this variant in disease. Therefore, it has been classified as a Variant of Uncertain Significance.